The following is an entry in ClinVar:

NM_000038.6(APC):c.5829_5830del (p.Ala1945fs)

Gene: APC (APC regulator of Wnt signaling pathway; plus strand). Cytogenetic location: 5q22.2.
Variant type: Microsatellite.
Coding change: c.5829_5830del on transcript NM_000038.6 (MANE Select); coding-DNA positions 5829 to 5830, 2 bases deleted (AG; older notation c.5829_5830delAG).
Protein change: p.Ala1945fs; shifts the reading frame from alanine 1945.
Molecular consequence: frameshift variant. On other transcripts: non-coding transcript variant (2).
Genome position (GRCh38, 1-based): chr5:112,841,423-112,841,424, AG deleted; deleting any 2 consecutive bases within chr5:112,841,421-112,841,424 gives the same sequence; the c. name uses the placement nearest the transcript's 3' end. VCF-style (leftmost placement, unchanged base first): chr5-112841420-CAG-C. GRCh37 (hg19) VCF-style: chr5-112177117-CAG-C.
Other names: c.5829_5830delAG (NM_000038.5); c.5526_5527del, p.Ala1844fs (NM_001407459.1, NM_001407460.1, NM_001354903.2 and 1 more transcripts); c.5442_5443del, p.Ala1816fs (NM_001407467.1, NM_001407469.1); c.4980_4981del, p.Ala1662fs (NM_001407470.1, NM_001354906.2); c.4677_4678del, p.Ala1561fs (NM_001407471.1, NM_001407472.1); c.5829_5830del, p.Ala1945fs (NM_001127510.3, NM_001354895.2, NM_001407450.1); c.5775_5776del, p.Ala1927fs (NM_001127511.3); c.5883_5884del, p.Ala1963fs (NM_001354896.2, NM_001407447.1, NM_001407448.1 and 1 more transcripts); and 12 more; short protein forms A1561fs, A1662fs, A1785fs, A1816fs, A1819fs, A1844fs, A1854fs, A1862fs.
Identifiers: ClinVar variation 2583461 (VCV002583461.3), dbSNP rs2533670560, ClinGen allele CA2582341479.

ClinVar aggregate classification (germline): Pathogenic. Review status: criteria provided, multiple submitters, no conflicts (2 of 4 stars). 2 submissions from 2 submitters: Pathogenic (2). Last evaluated 2024-04-24.

Conditions:
Hereditary cancer-predisposing syndrome. Also called: Tumor predisposition; Hereditary neoplastic syndrome; Neoplastic Syndromes, Hereditary; Hereditary Cancer Syndrome. Identifiers: Orphanet 140162, MedGen C0027672, MeSH D009386, MONDO:0015356.
Familial adenomatous polyposis 1 (FAP1). Also called: POLYPOSIS, ADENOMATOUS INTESTINAL; FAMILIAL ADENOMATOUS POLYPOSIS 1, ATTENUATED. Identifiers: MedGen C2713442, MONDO:0021056, OMIM 175100. Disease mechanism: loss of function.

Submissions (2):

Ambry Genetics
Classification: Pathogenic for Hereditary cancer-predisposing syndrome. Last evaluated: 2024-04-24. Review status: criteria provided, single submitter. Criteria: Ambry Variant Classification Scheme 2023. Collection method: clinical testing. Allele origin: germline.
Comment: The c.5829_5830delAG pathogenic mutation, located in coding exon 15 of the APC gene, results from a deletion of two nucleotides at nucleotide positions 5829 to 5830, causing a translational frameshift with a predicted alternate stop codon (p.A1945Sfs*3). This alteration occurs at the 3' terminus of theAPC gene, is not expected to trigger nonsense-mediated mRNA decay, and impacts the last 899 amino acids of the protein. However, premature stop codons are typically deleterious in nature and a significant portion of the protein is affected and the impacted region is critical for protein function (Ambry internal data). This variant has been observed in at least one individual with a personal and/or family history that is consistent with APC-associated disease (Ambry internal data). This variant is considered to be rare based on population cohorts in the Genome Aggregation Database (gnomAD). Based on the supporting evidence, this variant is interpreted as a disease-causing mutation.

Myriad Genetics, Inc.
Classification: Pathogenic for Familial adenomatous polyposis 1. Last evaluated: 2023-05-15. Review status: criteria provided, single submitter. Criteria: Myriad Autosomal Dominant, Autosomal Recessive and X-Linked Classification Criteria (2023). Collection method: clinical testing. Allele origin: unknown.
Comment: This variant is considered pathogenic. This variant creates a frameshift predicted to result in premature protein truncation.